The following is an entry in ClinVar:

ClinVar aggregate classification (germline): Conflicting classifications of pathogenicity. Review status: criteria provided, conflicting classifications (1 of 4 stars). 3 submissions from 3 submitters: Uncertain significance (2); Benign (1). Last evaluated 2024-01-15.

Conditions:
Primary ciliary dyskinesia. Also called: Ciliary dyskinesia. Identifiers: Orphanet 244, MedGen C0008780, MONDO:0016575, HP:0012265.
Primary ciliary dyskinesia 7. Also called: CILIARY DYSKINESIA, PRIMARY, 7, WITH OR WITHOUT SITUS INVERSUS. Identifiers: Orphanet 244, MedGen C2678473, MONDO:0012748, OMIM 611884.

Allele frequency attached by ClinVar (database versions not stated): gnomAD exomes 0.00001 and 0.00002; ExAC 0.00002; TOPMed 0.00004; gnomAD 0.00007; ESP Exome Variant Server 0.00008.
gnomAD v4.1: 25 of 1,598,432 alleles (0.0016%); highest among the groups gnomAD compares: African/African-American, 0.031%; no homozygotes.

Submissions (3):

Labcorp Genetics (formerly Invitae), Labcorp
Classification: Benign for Primary ciliary dyskinesia. Last evaluated: 2024-01-15. Review status: criteria provided, single submitter. Criteria: Invitae Variant Classification Sherloc (09022015). Collection method: clinical testing. Allele origin: germline.

Ambry Genetics
Classification: Uncertain significance for Primary ciliary dyskinesia. Last evaluated: 2023-07-27. Review status: criteria provided, single submitter. Criteria: Ambry Variant Classification Scheme 2023. Collection method: clinical testing. Allele origin: germline.
Comment: The p.T2221I variant (also known as c.6662C>T), located in coding exon 40 of the DNAH11 gene, results from a C to T substitution at nucleotide position 6662. The threonine at codon 2221 is replaced by isoleucine, an amino acid with similar properties. This amino acid position is conserved. In addition, this alteration is predicted to be deleterious by in silico analysis. Since supporting evidence is limited at this time, the clinical significance of this alteration remains unclear.

Illumina Laboratory Services, Illumina
Classification: Uncertain significance for Primary ciliary dyskinesia 7. Last evaluated: 2018-01-13. Review status: criteria provided, single submitter. Criteria: ICSL Variant Classification Criteria 13 December 2019. Collection method: clinical testing. Allele origin: germline.

NM_001277115.2(DNAH11):c.6662C>T (p.Thr2221Ile)

Gene: DNAH11 (dynein axonemal heavy chain 11; plus strand). Cytogenetic location: 7p15.3.
Variant type: single nucleotide variant.
Coding change: c.6662C>T on transcript NM_001277115.2 (MANE Select); coding-DNA position 6662, C replaced by T.
Protein change: p.Thr2221Ile; replaces threonine 2221 with isoleucine.
Molecular consequence: missense variant.
Genome position (GRCh38, 1-based): chr7:21,707,814, C>T. VCF-style: chr7-21707814-C-T. GRCh37 (hg19) VCF-style: chr7-21747432-C-T.
Other names: short protein forms T2221I.
Identifiers: ClinVar variation 911449 (VCV000911449.9), dbSNP rs373624232, ClinGen allele CA4180921.